The following is an entry in ClinVar:

NM_000179.3(MSH6):c.2880C>T (p.Asn960=)

Gene: MSH6 (mutS homolog 6; plus strand). Cytogenetic location: 2p16.3.
Variant type: single nucleotide variant.
Coding change: c.2880C>T on transcript NM_000179.3 (MANE Select); coding-DNA position 2880, C replaced by T.
Protein change: p.Asn960=; no amino-acid change (asparagine 960 retained).
Molecular consequence: synonymous variant.
Genome position (GRCh38, 1-based): chr2:47,800,863, C>T. VCF-style: chr2-47800863-C-T. GRCh37 (hg19) VCF-style: chr2-48028002-C-T.
Other names: c.2490C>T, p.Asn830= (NM_001281492.2); c.1974C>T, p.Asn658= (NM_001281493.2, NM_001281494.2).
Identifiers: ClinVar variation 378968 (VCV000378968.16), dbSNP rs1057520440, ClinGen allele CA16604191.

ClinVar aggregate classification (germline): Benign/Likely benign. Review status: criteria provided, multiple submitters, no conflicts (2 of 4 stars). 6 submissions from 6 submitters: Benign (1); Likely benign (5). Last evaluated 2025-01-03.

Conditions:
Hereditary nonpolyposis colorectal neoplasms. Identifiers: MedGen C0009405, MeSH D003123.
Lynch syndrome 5 (LYNCH5). Also called: Colorectal cancer, hereditary nonpolyposis, type 5; Hereditary non-polyposis colorectal cancer, type 5. Identifiers: Orphanet 144, MedGen C1833477, MONDO:0013710, OMIM 614350. Disease mechanism: loss of function.
Hereditary cancer-predisposing syndrome. Also called: Tumor predisposition; Hereditary neoplastic syndrome; Neoplastic Syndromes, Hereditary; Hereditary Cancer Syndrome. Identifiers: Orphanet 140162, MedGen C0027672, MeSH D009386, MONDO:0015356.

gnomAD v4.1: 2 of 1,613,844 alleles (0.00012%); highest among the groups gnomAD compares: Non-Finnish European, 0.00017%; no homozygotes.

Submissions (6):

Myriad Genetics, Inc.
Classification: Benign for Lynch syndrome 5. Last evaluated: 2025-01-03. Review status: criteria provided, single submitter. Criteria: Myriad Autosomal Dominant, Autosomal Recessive and X-Linked Classification Criteria (2023). Collection method: clinical testing. Allele origin: unknown.
Comment: This variant is considered benign. This variant is a silent/synonymous amino acid change and it is not expected to impact splicing.

Color Diagnostics, LLC DBA Color Health
Classification: Likely benign for Hereditary cancer-predisposing syndrome. Last evaluated: 2024-06-03. Review status: criteria provided, single submitter. Criteria: ACMG Guidelines, 2015. Collection method: clinical testing. Allele origin: germline.

Labcorp Genetics (formerly Invitae), Labcorp
Classification: Likely benign for Hereditary nonpolyposis colorectal neoplasms. Last evaluated: 2024-04-11. Review status: criteria provided, single submitter. Criteria: Invitae Variant Classification Sherloc (09022015). Collection method: clinical testing. Allele origin: germline.

Sema4
Classification: Likely benign for Hereditary cancer-predisposing syndrome. Last evaluated: 2020-05-29. Review status: criteria provided, single submitter. Criteria: Sema4 Curation Guidelines. Collection method: curation. Allele origin: germline.

Ambry Genetics
Classification: Likely benign for Hereditary cancer-predisposing syndrome. Last evaluated: 2019-05-15. Review status: criteria provided, single submitter. Criteria: Ambry Variant Classification Scheme 2023. Collection method: clinical testing. Allele origin: germline.

GeneDx
Classification: Likely benign. Last evaluated: 2016-02-03. Review status: criteria provided, single submitter. Criteria: GeneDx Variant Classification (06012015). Collection method: clinical testing. Allele origin: germline. Affected: yes.
Comment: This variant is considered likely benign or benign based on one or more of the following criteria: it is a conservative change, it occurs at a poorly conserved position in the protein, it is predicted to be benign by multiple in silico algorithms, and/or has population frequency not consistent with disease.